The following is an entry in ClinVar:

NM_006086.4(TUBB3):c.46A>T (p.Ile16Phe)

Genes: TUBB3 (tubulin beta 3 class III; plus strand), LOC130059847 (ATAC-STARR-seq lymphoblastoid silent region 7932; plus strand). Cytogenetic location: 16q24.3.
Variant type: single nucleotide variant.
Coding change: c.46A>T on transcript NM_006086.4 (MANE Select); coding-DNA position 46, A replaced by T.
Protein change: p.Ile16Phe; replaces isoleucine 16 with phenylalanine.
Molecular consequence: missense variant. On other transcripts: intron variant (1).
Genome position (GRCh38, 1-based): chr16:89,923,447, A>T. VCF-style: chr16-89923447-A-T. GRCh37 (hg19) VCF-style: chr16-89989855-A-T.
Other names: c.-160+1202A>T (NM_001197181.2); short protein forms I16F.
Identifiers: ClinVar variation 1207536 (VCV001207536.3), dbSNP rs2144399297, ClinGen allele CA397467142.

ClinVar aggregate classification (germline): Uncertain significance (1 of 4 stars; one submission).

Allele frequency attached by ClinVar (database versions not stated): gnomAD exomes below 0.00001.
gnomAD v4.1: 2 of 1,510,964 alleles (0.00013%); highest among the groups gnomAD compares: Non-Finnish European, 0.00018%; no homozygotes.

Submission:

GeneDx
Classification: Uncertain significance. Last evaluated: 2019-08-06. Review status: criteria provided, single submitter. Criteria: GeneDx Variant Classification Process June 2021. Collection method: clinical testing. Allele origin: germline. Affected: yes.
Comment: Not observed in large population cohorts (Lek et al., 2016); Missense variants in this gene are often considered pathogenic (Stenson et al., 2014); In silico analysis, which includes protein predictors and evolutionary conservation, supports a deleterious effect; Has not been previously published as pathogenic or benign to our knowledge